The following is an entry in ClinVar:

NM_144701.3(IL23R):c.1555G>A (p.Gly519Arg)

Gene: IL23R (interleukin 23 receptor; plus strand). Cytogenetic location: 1p31.3.
Variant type: single nucleotide variant.
Coding change: c.1555G>A on transcript NM_144701.3 (MANE Select); coding-DNA position 1555, G replaced by A.
Protein change: p.Gly519Arg; replaces glycine 519 with arginine.
Molecular consequence: missense variant.
Genome position (GRCh38, 1-based): chr1:67,258,793, G>A. VCF-style: chr1-67258793-G-A. GRCh37 (hg19) VCF-style: chr1-67724476-G-A.
Other names: short protein forms G519R.
Identifiers: ClinVar variation 1479204 (VCV001479204.6), dbSNP rs530714168, ClinGen allele CA900032.
Genomic context (GRCh38, chr1:67,258,793, plus strand): 5'-AGCAATAATAATGAAATTACTTCCTTAACACTTAAACCACCAGTTGATTCCTTAGACTCA[G>A]GAAATAATCCCAGGTTACAAAAGCATCCTAATTTTGCTTTTTCTGTTTCAAGTGTGAATT-3'
Protein context (NP_653302.2, residues 509-529): LKPPVDSLDS[Gly519Arg]NNPRLQKHPN

ClinVar aggregate classification (germline): Uncertain significance (1 of 4 stars; one submission).

Allele frequency attached by ClinVar (database versions not stated): TOPMed 0.00002; gnomAD 0.00007; gnomAD exomes 0.00008 and 0.00017; ExAC 0.00021; 1000 Genomes Project 30x 0.00078; 1000 Genomes Project 0.00100.
gnomAD v4.1: 130 of 1,611,206 alleles (0.0081%); highest among the groups gnomAD compares: South Asian, 0.14%; 1 homozygote.

Submission:

Labcorp Genetics (formerly Invitae), Labcorp
Classification: Uncertain significance. Last evaluated: 2025-12-01. Review status: criteria provided, single submitter. Criteria: Invitae Variant Classification Sherloc (09022015). Collection method: clinical testing. Allele origin: germline.
Comment: This sequence change replaces glycine, which is neutral and non-polar, with arginine, which is basic and polar, at codon 519 of the IL23R protein (p.Gly519Arg). This variant is present in population databases (rs530714168, gnomAD 0.1%), and has an allele count higher than expected for a pathogenic variant. This variant has not been reported in the literature in individuals affected with IL23R-related conditions. ClinVar contains an entry for this variant (Variation ID: 1479204). An algorithm developed to predict the effect of missense changes on protein structure and function (PolyPhen-2) suggests that this variant is likely to be disruptive. In summary, the available evidence is currently insufficient to determine the role of this variant in disease. Therefore, it has been classified as a Variant of Uncertain Significance.